The following is an entry in ClinVar:

NM_001330588.2(TPP2):c.1661T>C (p.Val554Ala)

Gene: TPP2 (tripeptidyl peptidase 2; plus strand). Cytogenetic location: 13q33.1.
Variant type: single nucleotide variant.
Coding change: c.1661T>C on transcript NM_001330588.2 (MANE Select); coding-DNA position 1661, T replaced by C.
Protein change: p.Val554Ala; replaces valine 554 with alanine.
Molecular consequence: missense variant. On other transcripts: non-coding transcript variant (1).
Genome position (GRCh38, 1-based): chr13:102,636,375, T>C. VCF-style: chr13-102636375-T-C. GRCh37 (hg19) VCF-style: chr13-103288725-T-C.
Other names: c.1661T>C, p.Val554Ala (NM_001367947.1, NM_003291.4); short protein forms V554A.
Identifiers: ClinVar variation 1367492 (VCV001367492.8), dbSNP rs2139506576, ClinGen allele CA388488115.

ClinVar aggregate classification (germline): Uncertain significance (1 of 4 stars; one submission).

Conditions:
Evans syndrome, immunodeficiency, and premature immunosenescence associated with tripeptidyl-peptidase II deficiency. Identifiers: MedGen CN231723. Disease mechanism: loss of function.

Submission:

Labcorp Genetics (formerly Invitae), Labcorp
Classification: Uncertain significance for Evans syndrome, immunodeficiency, and premature immunosenescence associated with tripeptidyl-peptidase II deficiency. Last evaluated: 2021-07-14. Review status: criteria provided, single submitter. Criteria: Invitae Variant Classification Sherloc (09022015). Collection method: clinical testing. Allele origin: germline.
Comment: Algorithms developed to predict the effect of missense changes on protein structure and function are either unavailable or do not agree on the potential impact of this missense change (SIFT: "Deleterious"; PolyPhen-2: "Benign"; Align-GVGD: "Class C25"). This sequence change replaces valine with alanine at codon 554 of the TPP2 protein (p.Val554Ala). The valine residue is moderately conserved and there is a small physicochemical difference between valine and alanine. This variant is not present in population databases (ExAC no frequency). This variant has not been reported in the literature in individuals affected with TPP2-related conditions. In summary, the available evidence is currently insufficient to determine the role of this variant in disease. Therefore, it has been classified as a Variant of Uncertain Significance.